The following is an entry in ClinVar:

ClinVar aggregate classification (germline): Uncertain significance. Review status: criteria provided, multiple submitters, no conflicts (2 of 4 stars). 3 submissions from 3 submitters: Uncertain significance (3). Last evaluated 2026-05-17.

Conditions:
RHO-related disorder. Also called: RHO-related condition.

Allele frequency attached by ClinVar (database versions not stated): ExAC 0.00002; gnomAD exomes 0.00002; gnomAD 0.00005 and 0.00006; TOPMed 0.00013; 1000 Genomes Project 30x 0.00016; 1000 Genomes Project 0.00020.

Submissions (3):

PreventionGenetics, part of Exact Sciences
Classification: Uncertain significance for RHO-related condition. Last evaluated: 2026-05-17. Review status: criteria provided, single submitter. Criteria: ACMG Guidelines, 2015. Collection method: clinical testing. Allele origin: germline.
Comment: The RHO c.47C>T variant is predicted to result in the amino acid substitution p.Ala16Val. To our knowledge, this variant has not been reported in the literature. This variant is reported in 0.0087% of alleles in individuals of Latino descent in gnomAD. At this time, the clinical significance of this variant is uncertain due to the absence of conclusive functional and genetic evidence.

Labcorp Genetics (formerly Invitae), Labcorp
Classification: Uncertain significance. Last evaluated: 2025-03-27. Review status: criteria provided, single submitter. Criteria: Invitae Variant Classification Sherloc (09022015). Collection method: clinical testing. Allele origin: germline.
Comment: This sequence change replaces alanine, which is neutral and non-polar, with valine, which is neutral and non-polar, at codon 16 of the RHO protein (p.Ala16Val). This variant is present in population databases (rs201340914, gnomAD 0.01%). This variant has not been reported in the literature in individuals affected with RHO-related conditions. ClinVar contains an entry for this variant (Variation ID: 851374). Invitae Evidence Modeling of protein sequence and biophysical properties (such as structural, functional, and spatial information, amino acid conservation, physicochemical variation, residue mobility, and thermodynamic stability) indicates that this missense variant is not expected to disrupt RHO protein function with a negative predictive value of 95%. In summary, the available evidence is currently insufficient to determine the role of this variant in disease. Therefore, it has been classified as a Variant of Uncertain Significance.

Blueprint Genetics
Classification: Uncertain significance. Last evaluated: 2023-10-25. Review status: criteria provided, single submitter. Criteria: ACMG Guidelines, 2015. Collection method: clinical testing. Allele origin: germline.

NM_000539.3(RHO):c.47C>T (p.Ala16Val)

Gene: RHO (rhodopsin; plus strand). Cytogenetic location: 3q22.1.
Variant type: single nucleotide variant.
Coding change: c.47C>T on transcript NM_000539.3 (MANE Select); coding-DNA position 47, C replaced by T.
Protein change: p.Ala16Val; replaces alanine 16 with valine.
Molecular consequence: missense variant.
Genome position (GRCh38, 1-based): chr3:129,528,780, C>T. VCF-style: chr3-129528780-C-T. GRCh37 (hg19) VCF-style: chr3-129247623-C-T.
Other names: short protein forms A16V.
Identifiers: ClinVar variation 851374 (VCV000851374.10), dbSNP rs201340914, ClinGen allele CA2607043.